The following is an entry in ClinVar:

NM_025114.4(CEP290):c.3573+7G>A

Gene: CEP290 (centrosomal protein 290; minus strand). Cytogenetic location: 12q21.32.
Variant type: single nucleotide variant.
Coding change: c.3573+7G>A on transcript NM_025114.4 (MANE Select); 7 bases into the intron after coding-DNA position 3573, G replaced by A.
Molecular consequence: intron variant.
Genome position (GRCh38, 1-based): chr12:88,090,721, C>T on the plus strand (G>A on the coding strand, the complement: CEP290 is on the minus strand). VCF-style: chr12-88090721-C-T. GRCh37 (hg19) VCF-style: chr12-88484498-C-T.
Identifiers: ClinVar variation 3344842 (VCV003344842.1).
Genomic context (GRCh38, chr12:88,090,721, plus strand): 5'-CCCAACATCTAATGTAAATTTAGGGAAAAAAGTGGATTCTATGTAGAAGAGCCAATACTG[C>T]ACATACCTGATAGTCTAGCAGTTGCATTCTGAGGGACTCTACTTCCTTGTCCCTAGATTG-3'

ClinVar aggregate classification (germline): Likely benign (0 of 4 stars; one submission).

Conditions:
CEP290-related disorder. Also called: CEP290-related condition; CEP290-related disorders. Identifiers: MedGen CN239314.

Submission:

PreventionGenetics, part of Exact Sciences
Classification: Likely benign for CEP290-related condition. Last evaluated: 2024-04-18. Review status: no assertion criteria provided. Collection method: clinical testing. Allele origin: germline.
Comment: This variant is classified as likely benign based on ACMG/AMP sequence variant interpretation guidelines (Richards et al. 2015 PMID: 25741868, with internal and published modifications).